The following is an entry in ClinVar:

ClinVar aggregate classification (germline): Benign/Likely benign. Review status: criteria provided, multiple submitters, no conflicts (2 of 4 stars). 3 submissions from 3 submitters: Benign (1); Likely benign (1). 1 of the submissions does not count toward it. Last evaluated 2025-10-07.

Conditions:
X-linked immunodeficiency with magnesium defect, Epstein-Barr virus infection and neoplasia. Identifiers: Orphanet 317476, MedGen C3275445, MONDO:0010455, OMIM 300853.
MAGT1-related disorder. Also called: MAGT1-related condition.

Allele frequency attached by ClinVar (database versions not stated): gnomAD exomes 0.00006 and 0.00017; gnomAD 0.00008 and 0.00009; TOPMed 0.00019; ExAC 0.00022; 1000 Genomes Project 0.00026; 1000 Genomes Project 30x 0.00083.
gnomAD v4.1: 91 of 1,203,244 alleles (0.0076%); highest among the groups gnomAD compares: East Asian, 0.13%; 1 homozygote.

Submissions (3):

Labcorp Genetics (formerly Invitae), Labcorp
Classification: Benign for X-linked immunodeficiency with magnesium defect, Epstein-Barr virus infection and neoplasia. Last evaluated: 2025-10-07. Review status: criteria provided, single submitter. Criteria: Invitae Variant Classification Sherloc (09022015). Collection method: clinical testing. Allele origin: germline.

Blueprint Genetics
Classification: Likely benign. Last evaluated: 2024-09-30. Review status: criteria provided, single submitter. Criteria: ACMG Guidelines, 2015. Collection method: clinical testing. Allele origin: germline.

PreventionGenetics, part of Exact Sciences
Classification: Likely benign for MAGT1-related condition. Last evaluated: 2019-08-08. Review status: no assertion criteria provided. Collection method: clinical testing. Allele origin: germline. Not counted in ClinVar's aggregate classification.
Comment: This variant is classified as likely benign based on ACMG/AMP sequence variant interpretation guidelines (Richards et al. 2015 PMID: 25741868, with internal and published modifications).

NM_001367916.1(MAGT1):c.192T>C (p.Leu64=)

Gene: MAGT1 (magnesium transporter 1; minus strand). Cytogenetic location: Xq21.1.
Variant type: single nucleotide variant.
Coding change: c.192T>C on transcript NM_001367916.1 (MANE Select); coding-DNA position 192, T replaced by C.
Protein change: p.Leu64=; no amino-acid change (leucine 64 retained).
Molecular consequence: synonymous variant.
Genome position (GRCh38, 1-based): chrX:77,875,508, A>G on the plus strand (T>C on the coding strand, the complement: MAGT1 is on the minus strand). VCF-style: chrX-77875508-A-G. GRCh37 (hg19) VCF-style: chrX-77131005-A-G.
Other names: c.288T>C, p.Leu96= (NM_032121.5).
Identifiers: ClinVar variation 1164887 (VCV001164887.12), dbSNP rs189513206, ClinGen allele CA10458582.